The following is an entry in ClinVar:

NM_012330.4(KAT6B):c.3061G>A (p.Glu1021Lys)

Gene: KAT6B (lysine acetyltransferase 6B; plus strand). Cytogenetic location: 10q22.2.
Variant type: single nucleotide variant.
Coding change: c.3061G>A on transcript NM_012330.4 (MANE Select); coding-DNA position 3061, G replaced by A.
Protein change: p.Glu1021Lys; replaces glutamic acid 1021 with lysine.
Molecular consequence: missense variant.
Genome position (GRCh38, 1-based): chr10:75,021,920, G>A. VCF-style: chr10-75021920-G-A. GRCh37 (hg19) VCF-style: chr10-76781678-G-A.
Other names: c.2512G>A, p.Glu838Lys (NM_001256468.2, NM_001370138.1); c.2185G>A, p.Glu729Lys (NM_001256469.2, NM_001370139.1, NM_001370140.1 and 2 more transcripts); c.2023G>A, p.Glu675Lys (NM_001370132.1); c.1372G>A, p.Glu458Lys (NM_001370133.1); c.976G>A, p.Glu326Lys (NM_001370134.1); c.718G>A, p.Glu240Lys (NM_001370135.1); c.3061G>A, p.Glu1021Lys (NM_001370136.1, NM_001370137.1); c.1996G>A, p.Glu666Lys (NM_001370143.1, NM_001370144.1); short protein forms E1021K, E240K, E326K, E458K, E666K, E675K, E729K, E838K.
Identifiers: ClinVar variation 3345672 (VCV003345672.1).

ClinVar aggregate classification (germline): Uncertain significance (0 of 4 stars; one submission).

Conditions:
KAT6B-related disorder. Also called: KAT6B-related disorders; KAT6B-related condition.

Submission:

PreventionGenetics, part of Exact Sciences
Classification: Uncertain significance for KAT6B-related condition. Last evaluated: 2024-06-10. Review status: no assertion criteria provided. Collection method: clinical testing. Allele origin: germline.
Comment: The KAT6B c.3061G>A variant is predicted to result in the amino acid substitution p.Glu1021Lys. To our knowledge, this variant has not been reported in the literature or in a large population database, indicating this variant is rare. At this time, the clinical significance of this variant is uncertain due to the absence of conclusive functional and genetic evidence.